The following is an entry in ClinVar:

NM_001371904.1(APOA5):c.941T>G (p.Leu314Arg)

Gene: APOA5 (apolipoprotein A5; minus strand). Cytogenetic location: 11q23.3.
Variant type: single nucleotide variant.
Coding change: c.941T>G on transcript NM_001371904.1 (MANE Select); coding-DNA position 941, T replaced by G.
Protein change: p.Leu314Arg; replaces leucine 314 with arginine.
Molecular consequence: missense variant.
Genome position (GRCh38, 1-based): chr11:116,790,288, A>C on the plus strand (T>G on the coding strand, the complement: APOA5 is on the minus strand). VCF-style: chr11-116790288-A-C. GRCh37 (hg19) VCF-style: chr11-116661004-A-C.
Other names: p.Leu314Arg; c.941T>G, p.Leu314Arg (NM_001166598.2, NM_052968.5); short protein forms L314R.
Identifiers: ClinVar variation 3380051 (VCV003380051.1).

ClinVar aggregate classification (germline): Uncertain significance (1 of 4 stars; one submission).

Submission:

Mayo Clinic Laboratories, Mayo Clinic
Classification: Uncertain significance. Last evaluated: 2024-02-13. Review status: criteria provided, single submitter. Criteria: ACMG Guidelines, 2015. Collection method: clinical testing. Allele origin: germline. Observed: 1 variant allele.
Comment: PP3, PM2, PS4_moderate

Literature cited by the submitters: PubMed 21993410.